The following is an entry in ClinVar:

NM_005228.5(EGFR):c.2450G>C (p.Trp817Ser)

Genes: EGFR-AS1 (EGFR antisense RNA 1; minus strand), EGFR (epidermal growth factor receptor; plus strand). Cytogenetic location: 7p11.2.
Variant type: single nucleotide variant.
Coding change: c.2450G>C on transcript NM_005228.5 (MANE Select); coding-DNA position 2450, G replaced by C.
Protein change: p.Trp817Ser; replaces tryptophan 817 with serine.
Molecular consequence: missense variant. On other transcripts: non-coding transcript variant (1).
Genome position (GRCh38, 1-based): chr7:55,181,459, G>C. VCF-style: chr7-55181459-G-C. GRCh37 (hg19) VCF-style: chr7-55249152-G-C.
Other names: c.2315G>C, p.Trp772Ser (NM_001346897.2, NM_001346899.2); c.2450G>C, p.Trp817Ser (NM_001346898.2); c.2291G>C, p.Trp764Ser (NM_001346900.2); c.1649G>C, p.Trp550Ser (NM_001346941.2); short protein forms W550S, W764S, W772S, W817S.
Identifiers: ClinVar variation 4744644 (VCV004744644.1).

ClinVar aggregate classification (germline): Uncertain significance (1 of 4 stars; one submission).

Conditions:
EGFR-related lung cancer (EGFR). Identifiers: MedGen CN130014.

Submission:

Labcorp Genetics (formerly Invitae), Labcorp
Classification: Uncertain significance for EGFR-related lung cancer. Last evaluated: 2025-01-29. Review status: criteria provided, single submitter. Criteria: Invitae Variant Classification Sherloc (09022015). Collection method: clinical testing. Allele origin: germline.
Comment: This sequence change replaces tryptophan, which is neutral and slightly polar, with serine, which is neutral and polar, at codon 817 of the EGFR protein (p.Trp817Ser). This variant is not present in population databases (gnomAD no frequency). This variant has not been reported in the literature in individuals affected with EGFR-related conditions. Invitae Evidence Modeling of protein sequence and biophysical properties (such as structural, functional, and spatial information, amino acid conservation, physicochemical variation, residue mobility, and thermodynamic stability) indicates that this missense variant is expected to disrupt EGFR protein function with a positive predictive value of 80%. In summary, the available evidence is currently insufficient to determine the role of this variant in disease. Therefore, it has been classified as a Variant of Uncertain Significance.